The following is an entry in ClinVar:

ClinVar aggregate classification (germline): Likely benign (0 of 4 stars; one submission).

Conditions:
GPR179-related disorder. Also called: GPR179-related condition.

Submission:

PreventionGenetics, part of Exact Sciences
Classification: Likely benign for GPR179-related condition. Last evaluated: 2020-01-17. Review status: no assertion criteria provided. Collection method: clinical testing. Allele origin: germline.
Comment: This variant is classified as likely benign based on ACMG/AMP sequence variant interpretation guidelines (Richards et al. 2015 PMID: 25741868, with internal and published modifications).

NM_001004334.4(GPR179):c.1110A>C (p.Thr370=)

Gene: GPR179 (G protein-coupled receptor 179; minus strand). Cytogenetic location: 17q12.
Variant type: single nucleotide variant.
Coding change: c.1110A>C on transcript NM_001004334.4 (MANE Select); coding-DNA position 1110, A replaced by C.
Protein change: p.Thr370=; no amino-acid change (threonine 370 retained).
Molecular consequence: synonymous variant.
Genome position (GRCh38, 1-based): chr17:38,337,095, T>G on the plus strand (A>C on the coding strand, the complement: GPR179 is on the minus strand). VCF-style: chr17-38337095-T-G. GRCh37 (hg19) VCF-style: chr17-36492978-T-G.
Identifiers: ClinVar variation 3033959 (VCV003033959.2), dbSNP rs756706522, ClinGen allele CA2576244930.